The following is an entry in ClinVar:

ClinVar aggregate classification (germline): Likely benign. Review status: criteria provided, multiple submitters, no conflicts (2 of 4 stars). 2 submissions from 2 submitters: Likely benign (2). Last evaluated 2022-05-01.

Allele frequency attached by ClinVar (database versions not stated): TOPMed 0.00001; ExAC 0.00002; 1000 Genomes Project 30x 0.00016; 1000 Genomes Project 0.00020.

Submissions (2):

CeGaT Center for Human Genetics Tuebingen
Classification: Likely benign. Last evaluated: 2022-05-01. Review status: criteria provided, single submitter. Criteria: CeGaT Center For Human Genetics Tuebingen Variant Classification Criteria Version 2. Collection method: clinical testing. Allele origin: germline. Affected: yes. Observed: 1 variant allele.
Comment: ACTG1: BP4, BP7

Genetic Services Laboratory, University of Chicago
Classification: Likely benign. Last evaluated: 2017-03-15. Review status: criteria provided, single submitter. Criteria: ACMG Guidelines, 2015. Collection method: clinical testing. Allele origin: germline. Affected: no.

NM_001614.5(ACTG1):c.324C>T (p.Ala108=)

Gene: ACTG1 (actin gamma 1; minus strand). Cytogenetic location: 17q25.3.
Variant type: single nucleotide variant.
Coding change: c.324C>T on transcript NM_001614.5 (MANE Select); coding-DNA position 324, C replaced by T.
Protein change: p.Ala108=; no amino-acid change (alanine 108 retained).
Molecular consequence: synonymous variant. On other transcripts: non-coding transcript variant (1).
Genome position (GRCh38, 1-based): chr17:81,511,942, G>A on the plus strand (C>T on the coding strand, the complement: ACTG1 is on the minus strand). VCF-style: chr17-81511942-G-A. GRCh37 (hg19) VCF-style: chr17-79478968-G-A.
Other names: c.324C>T, p.Ala108= (NM_001199954.3).
Identifiers: ClinVar variation 434077 (VCV000434077.30), dbSNP rs550936698, ClinGen allele CA8836280.